The following is an entry in ClinVar:

NM_001355436.2(SPTB):c.6181T>G (p.Trp2061Gly)

Gene: SPTB (spectrin beta, erythrocytic; minus strand). Cytogenetic location: 14q23.3.
Variant type: single nucleotide variant.
Coding change: c.6181T>G on transcript NM_001355436.2 (MANE Select); coding-DNA position 6181, T replaced by G.
Protein change: p.Trp2061Gly; replaces tryptophan 2061 with glycine.
Molecular consequence: missense variant.
Genome position (GRCh38, 1-based): chr14:64,767,701, A>C on the plus strand (T>G on the coding strand, the complement: SPTB is on the minus strand). VCF-style: chr14-64767701-A-C. GRCh37 (hg19) VCF-style: chr14-65234419-A-C.
Other names: NM_000347.5:c.6181T>G; c.6181T>G, p.Trp2061Gly (NM_001024858.4, NM_001355437.2); short protein forms W2061G.
Identifiers: ClinVar variation 1028697 (VCV001028697.1), dbSNP rs1690651311, ClinGen allele CA390039240.

ClinVar aggregate classification (germline): Uncertain significance (1 of 4 stars; one submission).

Conditions:
Elliptocytosis 3 (EL3). Identifiers: MedGen C1866810, MONDO:0054780, OMIM 617948.

Submission:

Baylor Genetics
Classification: Uncertain significance for Elliptocytosis 3. Last evaluated: 2019-09-22. Review status: criteria provided, single submitter. Criteria: ACMG Guidelines, 2015. Collection method: clinical testing. Allele origin: unknown. Affected: yes.
Comment: This variant was determined to be of uncertain significance according to ACMG Guidelines, 2015 [PMID:25741868].